The following is an entry in ClinVar:

NM_017654.4(SAMD9):c.4175A>G (p.Asn1392Ser)

Gene: SAMD9 (sterile alpha motif domain containing 9; minus strand). Cytogenetic location: 7q21.2.
Variant type: single nucleotide variant.
Coding change: c.4175A>G on transcript NM_017654.4 (MANE Select); coding-DNA position 4175, A replaced by G.
Protein change: p.Asn1392Ser; replaces asparagine 1392 with serine.
Molecular consequence: missense variant.
Genome position (GRCh38, 1-based): chr7:93,101,923, T>C on the plus strand (A>G on the coding strand, the complement: SAMD9 is on the minus strand). VCF-style: chr7-93101923-T-C. GRCh37 (hg19) VCF-style: chr7-92731236-T-C.
Other names: c.4175A>G, p.Asn1392Ser (NM_001193307.2); short protein forms N1392S.
Identifiers: ClinVar variation 4159191 (VCV004159191.1).

ClinVar aggregate classification (germline): Uncertain significance (1 of 4 stars; one submission).

Conditions:
Inborn genetic diseases. Identifiers: MedGen C0950123, MeSH D030342.

gnomAD v4.1: 2 of 1,613,860 alleles (0.00012%); no homozygotes.

Submission:

Ambry Genetics
Classification: Uncertain significance for Inborn genetic diseases. Last evaluated: 2025-08-28. Review status: criteria provided, single submitter. Criteria: Ambry Variant Classification Scheme 2023. Collection method: clinical testing. Allele origin: germline.
Comment: The p.N1392S variant (also known as c.4175A>G), located in coding exon 1 of the SAMD9 gene, results from an A to G substitution at nucleotide position 4175. The asparagine at codon 1392 is replaced by serine, an amino acid with highly similar properties. This amino acid position is conserved. In addition, this alteration is predicted to be tolerated by in silico analysis. Based on the available evidence, the clinical significance of this variant remains unclear.